The following is an entry in ClinVar:

NM_001171155.2(PET100):c.115-1G>A

Genes: PET100 (PET100 cytochrome c oxidase chaperone; plus strand), STXBP2 (syntaxin binding protein 2; plus strand). Cytogenetic location: 19p13.2.
Variant type: single nucleotide variant.
Coding change: c.115-1G>A on transcript NM_001171155.2 (MANE Select); the canonical splice acceptor site of the intron before coding-DNA position 115, G replaced by A.
Molecular consequence: splice acceptor variant.
Genome position (GRCh38, 1-based): chr19:7,630,822, G>A. VCF-style: chr19-7630822-G-A. GRCh37 (hg19) VCF-style: chr19-7695708-G-A.
Other names: c.-83-1G>A (NM_001414484.1).
Identifiers: ClinVar variation 2698099 (VCV002698099.3), dbSNP rs2512664094, ClinGen allele CA403153764.

ClinVar aggregate classification (germline): Likely pathogenic (1 of 4 stars; one submission).

Submission:

Labcorp Genetics (formerly Invitae), Labcorp
Classification: Likely pathogenic. Last evaluated: 2023-11-21. Review status: criteria provided, single submitter. Criteria: Invitae Variant Classification Sherloc (09022015). Collection method: clinical testing. Allele origin: germline.
Comment: This sequence change affects an acceptor splice site in intron 2 of the PET100 gene. It is expected to disrupt RNA splicing. Variants that disrupt the donor or acceptor splice site typically lead to a loss of protein function (PMID: 16199547), and loss-of-function variants in PET100 are known to be pathogenic (PMID: 24462369, 25293719, 31406627). This variant is not present in population databases (gnomAD no frequency). This variant has not been reported in the literature in individuals affected with PET100-related conditions. Algorithms developed to predict the effect of sequence changes on RNA splicing suggest that this variant may disrupt the consensus splice site. In summary, the currently available evidence indicates that the variant is pathogenic, but additional data are needed to prove that conclusively. Therefore, this variant has been classified as Likely Pathogenic.

Literature cited by the submitters: PubMed 16199547; PubMed 24462369; PubMed 25293719; PubMed 31406627.